The following is an entry in ClinVar:

NM_001377.3(DYNC2H1):c.1206dup (p.Leu403fs)

Gene: DYNC2H1 (dynein cytoplasmic 2 heavy chain 1; plus strand). Cytogenetic location: 11q22.3.
Variant type: Duplication.
Coding change: c.1206dup on transcript NM_001377.3 (MANE Select); coding-DNA position 1206, one base duplicated (A; older notation c.1206dupA).
Protein change: p.Leu403fs; shifts the reading frame from leucine 403.
Molecular consequence: frameshift variant.
Genome position (GRCh38, 1-based): chr11:103,120,760, A duplicated; the last of 4 consecutive A bases (chr11:103,120,757-103,120,760); duplicating any one gives the same sequence. VCF-style (leftmost placement, unchanged base first): chr11-103120756-G-GA. GRCh37 (hg19) VCF-style: chr11-102991485-G-GA.
Other names: c.1206dup, p.Leu403fs (NM_001080463.2); short protein forms L403fs.
Identifiers: ClinVar variation 3642555 (VCV003642555.2).

ClinVar aggregate classification (germline): Pathogenic (1 of 4 stars; one submission).

Conditions:
Jeune thoracic dystrophy. Also called: Jeune syndrome; Infantile thoracic dystrophy; Thoracic pelvic phalangeal dystrophy; Jeune's syndrome; Chondroectodermal dysplasia-like syndrome; Short-rib thoracic dysplasia. Identifiers: Orphanet 474, MedGen C0265275, MONDO:0018770.

Submission:

Labcorp Genetics (formerly Invitae), Labcorp
Classification: Pathogenic for Jeune thoracic dystrophy. Last evaluated: 2024-02-22. Review status: criteria provided, single submitter. Criteria: Invitae Variant Classification Sherloc (09022015). Collection method: clinical testing. Allele origin: germline.
Comment: This sequence change creates a premature translational stop signal (p.Leu403Ilefs*23) in the DYNC2H1 gene. It is expected to result in an absent or disrupted protein product. Loss-of-function variants in DYNC2H1 are known to be pathogenic (PMID: 23339108, 32753734, 33755199). This variant is not present in population databases (gnomAD no frequency). This variant has not been reported in the literature in individuals affected with DYNC2H1-related conditions. For these reasons, this variant has been classified as Pathogenic.

Literature cited by the submitters: PubMed 23339108; PubMed 32753734; PubMed 33755199.